The following is an entry in ClinVar:

NM_000836.4(GRIN2D):c.3089C>T (p.Pro1030Leu)

Gene: GRIN2D (glutamate ionotropic receptor NMDA type subunit 2D; plus strand). Cytogenetic location: 19q13.33.
Variant type: single nucleotide variant.
Coding change: c.3089C>T on transcript NM_000836.4 (MANE Select); coding-DNA position 3089, C replaced by T.
Protein change: p.Pro1030Leu; replaces proline 1030 with leucine.
Molecular consequence: missense variant.
Genome position (GRCh38, 1-based): chr19:48,443,015, C>T. VCF-style: chr19-48443015-C-T. GRCh37 (hg19) VCF-style: chr19-48946272-C-T.
Other names: short protein forms P1030L.
Identifiers: ClinVar variation 2798276 (VCV002798276.3), dbSNP rs1971321193, ClinGen allele CA406674856.
Genomic context (GRCh38, chr19:48,443,015, plus strand): 5'-TCGTACGCGACAAGGAGCCAGCCGAGCCCCCCGCCGGCGCCTTCCCCGGCTTCCCGTCGC[C>T]GCCCGCGCCCCCCGCCGCCGCGGCCACCGCCGTCGGGCCGCCACTCTGCCGCTTGGCCTT-3'
Protein context (NP_000827.2, residues 1020-1040): PAGAFPGFPS[Pro1030Leu]PAPPAAAATA

ClinVar aggregate classification (germline): Uncertain significance (1 of 4 stars; one submission).

Allele frequency attached by ClinVar (database versions not stated): TOPMed 0.00001.
gnomAD v4.1: 2 of 1,068,696 alleles (0.00019%); highest among the groups gnomAD compares: African/African-American, 0.0017%; no homozygotes.

Submission:

Labcorp Genetics (formerly Invitae), Labcorp
Classification: Uncertain significance. Last evaluated: 2025-11-15. Review status: criteria provided, single submitter. Criteria: Invitae Variant Classification Sherloc (09022015). Collection method: clinical testing. Allele origin: germline.
Comment: This sequence change replaces proline, which is neutral and non-polar, with leucine, which is neutral and non-polar, at codon 1030 of the GRIN2D protein (p.Pro1030Leu). The frequency data for this variant in the population databases is considered unreliable, as metrics indicate insufficient coverage at this position in the gnomAD database. This variant has not been reported in the literature in individuals affected with GRIN2D-related conditions. ClinVar contains an entry for this variant (Variation ID: 2798276). Invitae Evidence Modeling of protein sequence and biophysical properties (such as structural, functional, and spatial information, amino acid conservation, physicochemical variation, residue mobility, and thermodynamic stability) indicates that this missense variant is not expected to disrupt GRIN2D protein function with a negative predictive value of 95%. In summary, the available evidence is currently insufficient to determine the role of this variant in disease. Therefore, it has been classified as a Variant of Uncertain Significance.